The following is an entry in ClinVar:

ClinVar aggregate classification (germline): Benign. Review status: criteria provided, multiple submitters, no conflicts (2 of 4 stars). 6 submissions from 6 submitters: Benign (6). Last evaluated 2026-01-28.

Conditions:
Ritscher-Schinzel syndrome. Also called: CRANIOCEREBELLOCARDIAC DYSPLASIA. Identifiers: Orphanet 7, MedGen C0796137, MONDO:0019078.
Hereditary spastic paraplegia 8 (SPG8). Also called: SPASTIC PARAPLEGIA 8, AUTOSOMAL DOMINANT. Identifiers: Orphanet 100989, MedGen C1863704, MONDO:0011339, OMIM 603563.

Allele frequency attached by ClinVar (database versions not stated): gnomAD exomes 0.04214 and 0.06947; ExAC 0.07909; gnomAD 0.13085 and 0.13320; TOPMed 0.13905; ESP Exome Variant Server 0.13965; 1000 Genomes Project 0.17512; 1000 Genomes Project 30x 0.17676.
gnomAD v4.1: 73,814 of 1,412,044 alleles (5.2%); highest among the groups gnomAD compares: African/African-American, 38%; 7,033 homozygotes.

Submissions (16):

Labcorp Genetics (formerly Invitae), Labcorp
Classification: Benign for Ritscher-Schinzel syndrome; Hereditary spastic paraplegia 8. Last evaluated: 2026-01-28. Review status: criteria provided, single submitter. Criteria: Invitae Variant Classification Sherloc (09022015). Collection method: clinical testing. Allele origin: germline.

Blueprint Genetics
Classification: Benign. Last evaluated: 2024-11-27. Review status: criteria provided, single submitter. Criteria: ACMG Guidelines, 2015. Collection method: clinical testing. Allele origin: germline.

Illumina Laboratory Services, Illumina
Classification: Benign for Hereditary spastic paraplegia 8. Last evaluated: 2018-01-13. Review status: criteria provided, single submitter. Criteria: ICSL Variant Classification Criteria 13 December 2019. Collection method: clinical testing. Allele origin: germline.
Comment: This variant was observed in the ICSL laboratory as part of a predisposition screen in an ostensibly healthy population. It had not been previously curated by ICSL or reported in the Human Gene Mutation Database (HGMD: prior to June 1st, 2018), and was therefore a candidate for classification through an automated scoring system. Utilizing variant allele frequency, disease prevalence and penetrance estimates, and inheritance mode, an automated score was calculated to assess if this variant is too frequent to cause the disease. Based on the score and internal cut-off values, a variant classified as benign is not then subjected to further curation. The score for this variant resulted in a classification of benign for this disease.

GeneDx
Classification: Benign. Last evaluated: 2016-02-24. Review status: criteria provided, single submitter. Criteria: GeneDx Variant Classification (06012015). Collection method: clinical testing. Allele origin: germline. Affected: yes.
Comment: This variant is considered likely benign or benign based on one or more of the following criteria: it is a conservative change, it occurs at a poorly conserved position in the protein, it is predicted to be benign by multiple in silico algorithms, and/or has population frequency not consistent with disease.

Eurofins Ntd Llc (ga)
Classification: Benign. Last evaluated: 2014-07-08. Review status: criteria provided, single submitter. Criteria: EGL Classification Definitions 2015. Collection method: clinical testing. Allele origin: germline. Observed: 1 variant allele, 1 heterozygote.

Breakthrough Genomics
Classification: Benign. Review status: criteria provided, single submitter. Criteria: ACMG Guidelines, 2015. Collection method: not provided. Allele origin: germline. Inheritance: Autosomal recessive inheritance. Affected: yes.

Dr. Peter K. Rogan Lab, Western University
No classification provided (evidence only). Condition: Acute myeloid leukemia. Review status: no classification provided. Collection method: in vitro. Allele origin: not applicable. Functional consequence: retained intron. Not counted in ClinVar's aggregate classification.

Dr. Peter K. Rogan Lab, Western University
No classification provided (evidence only). Condition: Acute myeloid leukemia. Review status: no classification provided. Collection method: in vitro. Allele origin: not applicable. Functional consequence: retained intron. Not counted in ClinVar's aggregate classification.

Dr. Peter K. Rogan Lab, Western University
No classification provided (evidence only). Condition: Acute myeloid leukemia. Review status: no classification provided. Collection method: in vitro. Allele origin: not applicable. Functional consequence: retained intron. Not counted in ClinVar's aggregate classification.

Dr. Peter K. Rogan Lab, Western University
No classification provided (evidence only). Condition: Acute myeloid leukemia. Review status: no classification provided. Collection method: in vitro. Allele origin: not applicable. Functional consequence: retained intron. Not counted in ClinVar's aggregate classification.

Dr. Peter K. Rogan Lab, Western University
No classification provided (evidence only). Condition: Acute myeloid leukemia. Review status: no classification provided. Collection method: in vitro. Allele origin: not applicable. Functional consequence: retained intron. Not counted in ClinVar's aggregate classification.

Dr. Peter K. Rogan Lab, Western University
No classification provided (evidence only). Condition: Acute myeloid leukemia. Review status: no classification provided. Collection method: in vitro. Allele origin: not applicable. Functional consequence: retained intron. Not counted in ClinVar's aggregate classification.

Dr. Peter K. Rogan Lab, Western University
No classification provided (evidence only). Condition: Hepatocellular carcinoma. Review status: no classification provided. Collection method: in vitro. Allele origin: not applicable. Functional consequence: retained intron. Not counted in ClinVar's aggregate classification.

Dr. Peter K. Rogan Lab, Western University
No classification provided (evidence only). Condition: Thymoma. Review status: no classification provided. Collection method: in vitro. Allele origin: not applicable. Functional consequence: retained intron. Not counted in ClinVar's aggregate classification.

Dr. Peter K. Rogan Lab, Western University
No classification provided (evidence only). Condition: Thymoma. Review status: no classification provided. Collection method: in vitro. Allele origin: not applicable. Functional consequence: retained intron. Not counted in ClinVar's aggregate classification.

Dr. Peter K. Rogan Lab, Western University
No classification provided (evidence only). Condition: Thymoma. Review status: no classification provided. Collection method: in vitro. Allele origin: not applicable. Functional consequence: retained intron. Not counted in ClinVar's aggregate classification.

NM_014846.4(WASHC5):c.417+11A>G

Gene: WASHC5 (WASH complex subunit 5; minus strand). Cytogenetic location: 8q24.13.
Variant type: single nucleotide variant.
Coding change: c.417+11A>G on transcript NM_014846.4 (MANE Select); 11 bases into the intron after coding-DNA position 417, A replaced by G.
Molecular consequence: intron variant.
Genome position (GRCh38, 1-based): chr8:125,082,372, T>C on the plus strand (A>G on the coding strand, the complement: WASHC5 is on the minus strand). VCF-style: chr8-125082372-T-C. GRCh37 (hg19) VCF-style: chr8-126094614-T-C.
Other names: c.-28+11A>G (NM_001330609.2).
Identifiers: ClinVar variation 197302 (VCV000197302.19), dbSNP rs2384917, ClinGen allele CA202806.